The following is an entry in ClinVar:

ClinVar aggregate classification (germline): Uncertain significance (1 of 4 stars; one submission).

Conditions:
Inborn genetic diseases. Identifiers: MedGen C0950123, MeSH D030342.

Submission:

Ambry Genetics
Classification: Uncertain significance for Inborn genetic diseases. Last evaluated: 2025-09-02. Review status: criteria provided, single submitter. Criteria: Ambry Variant Classification Scheme 2023. Collection method: clinical testing. Allele origin: germline.
Comment: The p.L487F variant (also known as c.1459C>T), located in coding exon 1 of the SAMD9L gene, results from a C to T substitution at nucleotide position 1459. The leucine at codon 487 is replaced by phenylalanine, an amino acid with highly similar properties. This amino acid position is conserved. In addition, this alteration is predicted to be tolerated by in silico analysis. Based on the available evidence, the clinical significance of this variant remains unclear.

NM_152703.5(SAMD9L):c.1459C>T (p.Leu487Phe)

Gene: SAMD9L (sterile alpha motif domain containing 9 like; minus strand). Cytogenetic location: 7q21.2.
Variant type: single nucleotide variant.
Coding change: c.1459C>T on transcript NM_152703.5 (MANE Select); coding-DNA position 1459, C replaced by T.
Protein change: p.Leu487Phe; replaces leucine 487 with phenylalanine.
Molecular consequence: missense variant.
Genome position (GRCh38, 1-based): chr7:93,134,513, G>A on the plus strand (C>T on the coding strand, the complement: SAMD9L is on the minus strand). VCF-style: chr7-93134513-G-A. GRCh37 (hg19) VCF-style: chr7-92763826-G-A.
Other names: c.1459C>T, p.Leu487Phe (NM_001303496.3, NM_001303497.3, NM_001303498.3 and 5 more transcripts); short protein forms L487F.
Identifiers: ClinVar variation 4159453 (VCV004159453.1).